The following is an entry in ClinVar:

NM_001025295.3(IFITM5):c.117G>C (p.Trp39Cys)

Gene: IFITM5 (interferon induced transmembrane protein 5; minus strand). Cytogenetic location: 11p15.5.
Variant type: single nucleotide variant.
Coding change: c.117G>C on transcript NM_001025295.3 (MANE Select); coding-DNA position 117, G replaced by C.
Protein change: p.Trp39Cys; replaces tryptophan 39 with cysteine.
Molecular consequence: missense variant.
Genome position (GRCh38, 1-based): chr11:299,374, C>G on the plus strand (G>C on the coding strand, the complement: IFITM5 is on the minus strand). VCF-style: chr11-299374-C-G. GRCh37 (hg19) VCF-style: chr11-299374-C-G.
Other names: c.117G>C (NM_001025295.1, NM_001025295.2); short protein forms W39C.
Identifiers: ClinVar variation 284954 (VCV000284954.12), dbSNP rs545346603, ClinGen allele CA5773486.
Genomic context (GRCh38, chr11:299,374, plus strand): 5'-GTAGGCCAGCGCCAGGAAGCCGAGGCAACACAGATTCAGGTAGAGGGTGCTGAACACCGA[C>G]CAGATCAAGTGGTCTCGAGGCGGGGGGTGCGGGGCCCCCAGTGTGAGGGCTGTGTGGGCA-3'
Protein context (NP_001020466.1, residues 29-49): PHPPPRDHLI[Trp39Cys]SVFSTLYLNL

ClinVar aggregate classification (germline): Uncertain significance. Review status: criteria provided, multiple submitters, no conflicts (2 of 4 stars). 4 submissions from 4 submitters: Uncertain significance (4). Last evaluated 2026-04-23.

Conditions:
Inborn genetic diseases. Identifiers: MedGen C0950123, MeSH D030342.

Allele frequency attached by ClinVar (database versions not stated): TOPMed 0.00002; 1000 Genomes Project 30x 0.00031; 1000 Genomes Project 0.00020.

Submissions (4):

Ambry Genetics
Classification: Uncertain significance for Inborn genetic diseases. Last evaluated: 2026-04-23. Review status: criteria provided, single submitter. Criteria: Ambry Variant Classification Scheme 2023. Collection method: clinical testing. Allele origin: germline.
Comment: The c.117G>C (p.W39C) alteration is located in exon 1 (coding exon 1) of the IFITM5 gene. This alteration results from a G to C substitution at nucleotide position 117, causing the tryptophan (W) at amino acid position 39 to be replaced by a cysteine (C). Based on data from gnomAD, the C allele has an overall frequency of 0.002% (4/248426) total alleles studied. The highest observed frequency was 0.014% (3/21358) of African alleles. Based on insufficient or conflicting evidence, the clinical significance of this alteration remains unclear.

Labcorp Genetics (formerly Invitae), Labcorp
Classification: Uncertain significance. Last evaluated: 2026-01-12. Review status: criteria provided, single submitter. Criteria: Invitae Variant Classification Sherloc (09022015). Collection method: clinical testing. Allele origin: germline.
Comment: This sequence change replaces tryptophan, which is neutral and slightly polar, with cysteine, which is neutral and slightly polar, at codon 39 of the IFITM5 protein (p.Trp39Cys). This variant is present in population databases (rs545346603, gnomAD 0.01%). This variant has not been reported in the literature in individuals affected with IFITM5-related conditions. ClinVar contains an entry for this variant (Variation ID: 284954). An algorithm developed to predict the effect of missense changes on protein structure and function (PolyPhen-2) suggests that this variant is likely to be disruptive. In summary, the available evidence is currently insufficient to determine the role of this variant in disease. Therefore, it has been classified as a Variant of Uncertain Significance.

GeneDx
Classification: Uncertain significance. Last evaluated: 2023-11-08. Review status: criteria provided, single submitter. Criteria: GeneDx Variant Classification Process June 2021. Collection method: clinical testing. Allele origin: germline. Affected: yes.
Comment: In silico analysis supports that this missense variant has a deleterious effect on protein structure/function; Has not been previously published as pathogenic or benign to our knowledge

Eurofins Ntd Llc (ga)
Classification: Uncertain significance. Last evaluated: 2015-11-25. Review status: criteria provided, single submitter. Criteria: EGL Classification Definitions 2015. Collection method: clinical testing. Allele origin: germline. Observed: 1 variant allele, 1 heterozygote.